The following is an entry in ClinVar:

NM_001366385.1(CARD14):c.1089+5C>G

Gene: CARD14 (caspase recruitment domain family member 14; plus strand). Cytogenetic location: 17q25.3.
Variant type: single nucleotide variant.
Coding change: c.1089+5C>G on transcript NM_001366385.1 (MANE Select); 5 bases into the intron after coding-DNA position 1089, C replaced by G.
Molecular consequence: intron variant.
Genome position (GRCh38, 1-based): chr17:80,190,904, C>G. VCF-style: chr17-80190904-C-G. GRCh37 (hg19) VCF-style: chr17-78164703-C-G.
Other names: c.1089+5C>G (NM_024110.4, NM_001257970.1); c.378+5C>G (NM_052819.3).
Identifiers: ClinVar variation 1381583 (VCV001381583.8), dbSNP rs370288507, ClinGen allele CA8816641.
Genomic context (GRCh38, chr17:80,190,904, plus strand): 5'-AGAAGGTGAATGCGCTGCAGGCCCAGGTGTGCGAGCTGCAGAAGGAGCGAGACCAGGTAC[C>G]TGAGAGGCCGGGCCCACCCCGCCACCCCATGCTTGCTTCCCCAGGTGAGGGCTGGTTCCG-3'

ClinVar aggregate classification (germline): Uncertain significance. Review status: criteria provided, multiple submitters, no conflicts (2 of 4 stars). 2 submissions from 2 submitters: Uncertain significance (2). Last evaluated 2026-03-05.

Conditions:
Pityriasis rubra pilaris (PRP). Also called: Pityriasis rubra pilaris--familial type. Identifiers: Orphanet 2897, MedGen C0032027, MONDO:0100017, OMIM 173200, MONDO:0008251.
Psoriasis 2. Identifiers: MedGen C1864497, MONDO:0011269, OMIM 602723.

Allele frequency attached by ClinVar (database versions not stated): gnomAD 0.00001; ExAC 0.00001; TOPMed 0.00002; gnomAD exomes 0.00001; ESP Exome Variant Server 0.00015.
gnomAD v4.1: 47 of 1,612,054 alleles (0.0029%); highest among the groups gnomAD compares: Non-Finnish European, 0.0039%; no homozygotes.

Submissions (2):

Dasa
Classification: Uncertain significance. Last evaluated: 2026-03-05. Review status: criteria provided, single submitter. Criteria: DASA Assertion Criteria. Collection method: clinical testing. Allele origin: germline.
Comment: NM_001366385.1(CARD14):c.1089+5C>G is a splice-region variant. This variant is rare in population databases. Computational prediction algorithms are consistent with a benign effect. The currently available literature and clinical evidence are not sufficient to establish a definitive association between this variant and the reported condition. Therefore, this variant is classified as a variant of uncertain significance.

Labcorp Genetics (formerly Invitae), Labcorp
Classification: Uncertain significance for Pityriasis rubra pilaris; Psoriasis 2. Last evaluated: 2021-06-10. Review status: criteria provided, single submitter. Criteria: Invitae Variant Classification Sherloc (09022015). Collection method: clinical testing. Allele origin: germline.
Comment: This variant has not been reported in the literature in individuals with CARD14-related conditions. This variant is present in population databases (rs370288507, ExAC 0.002%). This sequence change falls in intron 7 of the CARD14 gene. It does not directly change the encoded amino acid sequence of the CARD14 protein. It affects a nucleotide within the consensus splice site of the intron. Nucleotide substitutions within the consensus splice site are a relatively common cause of aberrant splicing (PMID: 17576681, 9536098). Algorithms developed to predict the effect of sequence changes on RNA splicing suggest that this variant may create or strengthen a splice site, but this prediction has not been confirmed by published transcriptional studies. In summary, the available evidence is currently insufficient to determine the role of this variant in disease. Therefore, it has been classified as a Variant of Uncertain Significance.

Literature cited by the submitters: PubMed 17576681 (cited by Labcorp Genetics (formerly Invitae), Labcorp); PubMed 9536098 (cited by Labcorp Genetics (formerly Invitae), Labcorp).